The following is an entry in ClinVar:

ClinVar aggregate classification (germline): Uncertain significance (1 of 4 stars; one submission).

Conditions:
Inborn genetic diseases. Identifiers: MedGen C0950123, MeSH D030342.

Submission:

Ambry Genetics
Classification: Uncertain significance for Inborn genetic diseases. Last evaluated: 2022-02-07. Review status: criteria provided, single submitter. Criteria: Ambry Variant Classification Scheme 2023. Collection method: clinical testing. Allele origin: germline.
Comment: The p.V2538I variant (also known as c.7612G>A), located in coding exon 45 of the ATR gene, results from a G to A substitution at nucleotide position 7612. The valine at codon 2538 is replaced by isoleucine, an amino acid with highly similar properties. This amino acid position is conserved. In addition, the in silico prediction for this alteration is inconclusive. Since supporting evidence is limited at this time, the clinical significance of this alteration remains unclear.

NM_001184.4(ATR):c.7612G>A (p.Val2538Ile)

Gene: ATR (ATR checkpoint kinase; minus strand). Cytogenetic location: 3q23.
Variant type: single nucleotide variant.
Coding change: c.7612G>A on transcript NM_001184.4 (MANE Select); coding-DNA position 7612, G replaced by A.
Protein change: p.Val2538Ile; replaces valine 2538 with isoleucine.
Molecular consequence: missense variant.
Genome position (GRCh38, 1-based): chr3:142,457,647, C>T on the plus strand (G>A on the coding strand, the complement: ATR is on the minus strand). VCF-style: chr3-142457647-C-T. GRCh37 (hg19) VCF-style: chr3-142176489-C-T.
Other names: c.7420G>A, p.Val2474Ile (NM_001354579.2); short protein forms V2474I, V2538I.
Identifiers: ClinVar variation 1759810 (VCV001759810.2), dbSNP rs2473033085, ClinGen allele CA354794882.
Genomic context (GRCh38, chr3:142,457,647, plus strand): 5'-AAAGTATAGGTGATTACCTCATTAAAGGCTCTCGCTGATCACGCATCAGCCTCATTGTAA[C>T]TTCACATGCTCTTCGAAAAAGACCCTCTGTTCCCATAGGACCCATTCCATTAACCATATT-3'
Protein context (NP_001175.2, residues 2528-2548): TEGLFRRACE[Val2538Ile]TMRLMRDQRE